The following is an entry in ClinVar:

ClinVar aggregate classification (germline): Uncertain significance. Review status: criteria provided, multiple submitters, no conflicts (2 of 4 stars). 5 submissions from 5 submitters: Uncertain significance (5). Last evaluated 2024-12-19.

Conditions:
Inborn genetic diseases. Identifiers: MedGen C0950123, MeSH D030342.
DDX41-related hematologic malignancy predisposition syndrome. Also called: DDX41-Associated Familial Myelodysplastic Syndrome and Acute Myeloid Leukemia; Myeloproliferative/lymphoproliferative neoplasms, familial (multiple types), susceptibility to. Identifiers: Orphanet 488647, MedGen C4225174, MONDO:0014809, OMIM 616871.

Allele frequency attached by ClinVar (database versions not stated): gnomAD 0.00001; TOPMed 0.00001.

Submissions (5):

Ambry Genetics
Classification: Uncertain significance for Inborn genetic diseases. Last evaluated: 2024-12-19. Review status: criteria provided, single submitter. Criteria: Ambry Variant Classification Scheme 2023. Collection method: clinical testing. Allele origin: germline.
Comment: The p.P35L variant (also known as c.104C>T), located in coding exon 2 of the DDX41 gene, results from a C to T substitution at nucleotide position 104. The proline at codon 35 is replaced by leucine, an amino acid with similar properties. This amino acid position is highly conserved in available vertebrate species. In addition, the in silico prediction for this alteration is inconclusive. Based on the available evidence, the clinical significance of this variant remains unclear.

GeneDx
Classification: Uncertain significance. Last evaluated: 2024-05-24. Review status: criteria provided, single submitter. Criteria: GeneDx Variant Classification Process June 2021. Collection method: clinical testing. Allele origin: germline. Affected: yes.
Comment: Not observed at significant frequency in large population cohorts (gnomAD); In silico analysis supports that this missense variant has a deleterious effect on protein structure/function; Observed in the presumed germline of an individual with acute myeloid leukemia (PMID: 35443031); This variant is associated with the following publications: (PMID: 35443031, 37506341)

Baylor Genetics
Classification: Uncertain significance for DDX41-related hematologic malignancy predisposition syndrome. Last evaluated: 2024-02-20. Review status: criteria provided, single submitter. Criteria: ACMG Guidelines, 2015. Collection method: clinical testing. Allele origin: unknown.

Labcorp Genetics (formerly Invitae), Labcorp
Classification: Uncertain significance. Last evaluated: 2023-07-06. Review status: criteria provided, single submitter. Criteria: Invitae Variant Classification Sherloc (09022015). Collection method: clinical testing. Allele origin: germline.
Comment: In summary, the available evidence is currently insufficient to determine the role of this variant in disease. Therefore, it has been classified as a Variant of Uncertain Significance. An algorithm developed to predict the effect of missense changes on protein structure and function (PolyPhen-2) suggests that this variant is likely to be disruptive. This variant has not been reported in the literature in individuals affected with DDX41-related conditions. This variant is present in population databases (no rsID available, gnomAD 0.002%). This sequence change replaces proline, which is neutral and non-polar, with leucine, which is neutral and non-polar, at codon 35 of the DDX41 protein (p.Pro35Leu).

Genetic Services Laboratory, University of Chicago
Classification: Uncertain significance. Last evaluated: 2023-04-25. Review status: criteria provided, single submitter. Criteria: ACMG Guidelines, 2015. Collection method: clinical testing. Allele origin: germline. Affected: no.
Comment: DNA sequence analysis of the DDX41 gene demonstrated a sequence change, c.104C>T, in exon 2 that results in an amino acid change, p.Pro35Leu. This sequence change does not appear to have been previously described in individuals with DDX41-related disorders. This sequence change has been described in the gnomAD database in two individuals which corresponds to a population frequency of 0.0008% (dbSNP rs984823447). The p.Pro35Leu change affects a highly conserved amino acid residue located in a domain of the DDX41 protein that is not known to be functional. In-silico pathogenicity prediction tools (SIFT, PolyPhen2, Align GVGD, REVEL) provide contradictory results for the p.Pro35Leu substitution. Due to insufficient evidences and the lack of functional studies, the clinical significance of the p.Pro35Leu change remains unknown at this time.

NM_016222.4(DDX41):c.104C>T (p.Pro35Leu)

Gene: DDX41 (DEAD-box helicase 41; minus strand). Cytogenetic location: 5q35.3.
Variant type: single nucleotide variant.
Coding change: c.104C>T on transcript NM_016222.4 (MANE Select); coding-DNA position 104, C replaced by T.
Protein change: p.Pro35Leu; replaces proline 35 with leucine.
Molecular consequence: missense variant. On other transcripts: 5 prime UTR variant (2).
Genome position (GRCh38, 1-based): chr5:177,516,759, G>A on the plus strand (C>T on the coding strand, the complement: DDX41 is on the minus strand). VCF-style: chr5-177516759-G-A. GRCh37 (hg19) VCF-style: chr5-176943760-G-A.
Other names: c.104C>T (NM_016222.2, NM_016222.3); c.-552C>T (NM_001321732.2); c.-344C>T (NM_001321830.2); short protein forms P35L.
Identifiers: ClinVar variation 2797565 (VCV002797565.8), dbSNP rs984823447, ClinGen allele CA132896011.
Genomic context (GRCh38, chr5:177,516,759, plus strand): 5'-TCCCTCCCCGGACGCGTGCCCCTCACCAGTAGCTGCCGGCGCTGCCGTAACGGCACATAG[G>A]GCACGTAGTCCTCGTCGTCCTCATCTTCCGCCTCGGAGCGGCTTCCTCCGGCAGGCACCT-3'
Protein context (NP_057306.2, residues 25-45): AEDEDDEDYV[Pro35Leu]YVPLRQRRQL